The following is an entry in ClinVar:

ClinVar aggregate classification (germline): Conflicting classifications of pathogenicity. Review status: criteria provided, conflicting classifications (1 of 4 stars). 5 submissions from 5 submitters: Uncertain significance (2); Likely benign (3). Last evaluated 2024-10-04.

Conditions:
Cardiomyopathy (CMYO). Also called: Cardiomyopathies. Identifiers: Orphanet 167848, MedGen C0878544, MONDO:0004994, HP:0001638. Inheritance: Various modes of inheritance.
Catecholaminergic polymorphic ventricular tachycardia 1. Also called: RYR2-Related Catecholaminergic Polymorphic Ventricular Tachycardia; VENTRICULAR TACHYCARDIA, CATECHOLAMINERGIC POLYMORPHIC, 1, WITH OR WITHOUT ATRIAL DYSFUNCTION AND/OR DILATED CARDIOMYOPATHY; VENTRICULAR TACHYCARDIA, STRESS-INDUCED POLYMORPHIC 1. Identifiers: Orphanet 3286, MedGen C1631597, MONDO:0011484, OMIM 604772.
Cardiovascular phenotype. Identifiers: MedGen CN230736.

Allele frequency attached by ClinVar (database versions not stated): ExAC 0.00001; gnomAD 0.00002; TOPMed 0.00002; ESP Exome Variant Server 0.00008.
gnomAD v4.1: 48 of 1,603,254 alleles (0.003%); highest among the groups gnomAD compares: Non-Finnish European, 0.0038%; no homozygotes.

Submissions (5):

Labcorp Genetics (formerly Invitae), Labcorp
Classification: Uncertain significance for Catecholaminergic polymorphic ventricular tachycardia 1. Last evaluated: 2024-10-04. Review status: criteria provided, single submitter. Criteria: Invitae Variant Classification Sherloc (09022015). Collection method: clinical testing. Allele origin: germline.
Comment: This sequence change replaces threonine, which is neutral and polar, with alanine, which is neutral and non-polar, at codon 2005 of the RYR2 protein (p.Thr2005Ala). This variant is present in population databases (rs373235823, gnomAD 0.003%). This variant has not been reported in the literature in individuals affected with RYR2-related conditions. ClinVar contains an entry for this variant (Variation ID: 839606). Invitae Evidence Modeling of protein sequence and biophysical properties (such as structural, functional, and spatial information, amino acid conservation, physicochemical variation, residue mobility, and thermodynamic stability) indicates that this missense variant is not expected to disrupt RYR2 protein function with a negative predictive value of 95%. In summary, the available evidence is currently insufficient to determine the role of this variant in disease. Therefore, it has been classified as a Variant of Uncertain Significance.

Color Diagnostics, LLC DBA Color Health
Classification: Likely benign for Cardiomyopathy. Last evaluated: 2024-09-04. Review status: criteria provided, single submitter. Criteria: ACMG Guidelines, 2015. Collection method: clinical testing. Allele origin: germline.

Ambry Genetics
Classification: Likely benign for Cardiovascular phenotype. Last evaluated: 2024-02-21. Review status: criteria provided, single submitter. Criteria: Ambry Variant Classification Scheme 2023. Collection method: clinical testing. Allele origin: germline.

CeGaT Center for Human Genetics Tuebingen
Classification: Likely benign. Last evaluated: 2024-02-01. Review status: criteria provided, single submitter. Criteria: CeGaT Center For Human Genetics Tuebingen Variant Classification Criteria Version 2. Collection method: clinical testing. Allele origin: germline. Affected: yes. Observed: 1 variant allele.
Comment: RYR2: BP4

GeneDx
Classification: Uncertain significance. Last evaluated: 2024-02-01. Review status: criteria provided, single submitter. Criteria: GeneDx Variant Classification Process June 2021. Collection method: clinical testing. Allele origin: germline. Affected: yes.
Comment: Not observed at significant frequency in large population cohorts (gnomAD); In silico analysis supports that this missense variant does not alter protein structure/function; Not located in one of the three hot-spot regions of the RYR2 gene, where the majority of pathogenic missense variants occur (PMID: 19926015); Has not been previously published as pathogenic or benign to our knowledge; This variant is associated with the following publications: (PMID: 19926015)

NM_001035.3(RYR2):c.6013A>G (p.Thr2005Ala)

Gene: RYR2 (ryanodine receptor 2; plus strand). Cytogenetic location: 1q43.
Variant type: single nucleotide variant.
Coding change: c.6013A>G on transcript NM_001035.3 (MANE Select); coding-DNA position 6013, A replaced by G.
Protein change: p.Thr2005Ala; replaces threonine 2005 with alanine.
Molecular consequence: missense variant.
Genome position (GRCh38, 1-based): chr1:237,623,861, A>G. VCF-style: chr1-237623861-A-G. GRCh37 (hg19) VCF-style: chr1-237787161-A-G.
Other names: short protein forms T2005A.
Identifiers: ClinVar variation 839606 (VCV000839606.75), dbSNP rs373235823, ClinGen allele CA087019.